The following is an entry in ClinVar:

ClinVar aggregate classification (germline): Uncertain significance (1 of 4 stars; one submission).

Conditions:
TEK-related disorder. Also called: TEK-related condition.

gnomAD v4.1: 15 of 1,611,090 alleles (0.00093%); highest among the groups gnomAD compares: Non-Finnish European, 0.0013%; no homozygotes.

Submission:

PreventionGenetics, part of Exact Sciences
Classification: Uncertain significance for TEK-related condition. Last evaluated: 2026-01-12. Review status: criteria provided, single submitter. Criteria: ACMG Guidelines, 2015. Collection method: clinical testing. Allele origin: germline.
Comment: The TEK c.3296G>A variant is predicted to result in the amino acid substitution p.Arg1099Gln. To our knowledge, this variant has not been reported in the literature. This variant is reported in 0.00088% of alleles in individuals of European (Non-Finnish) descent in gnomAD. At this time, the clinical significance of this variant is uncertain due to the absence of conclusive functional and genetic evidence.

NM_000459.5(TEK):c.3296G>A (p.Arg1099Gln)

Gene: TEK (TEK receptor tyrosine kinase; plus strand). Cytogenetic location: 9p21.2.
Variant type: single nucleotide variant.
Coding change: c.3296G>A on transcript NM_000459.5 (MANE Select); coding-DNA position 3296, G replaced by A.
Protein change: p.Arg1099Gln; replaces arginine 1099 with glutamine.
Molecular consequence: missense variant.
Genome position (GRCh38, 1-based): chr9:27,228,301, G>A. VCF-style: chr9-27228301-G-A. GRCh37 (hg19) VCF-style: chr9-27228299-G-A.
Other names: c.3167G>A, p.Arg1056Gln (NM_001290077.2); c.2852G>A, p.Arg951Gln (NM_001290078.2); c.3293G>A, p.Arg1098Gln (NM_001375475.1); c.3164G>A, p.Arg1055Gln (NM_001375476.1); short protein forms R1098Q, R951Q, R1056Q, R1099Q, R1055Q.
Identifiers: ClinVar variation 4984112 (VCV004984112.1).
Genomic context (GRCh38, chr9:27,228,301, plus strand): 5'-CTTATGAGAGGCCATCATTTGCCCAGATATTGGTGTCCTTAAACAGAATGTTAGAGGAGC[G>A]AAAGGTAAGTATTAAAGTCAGGCAGGAGATCTTTAATTGGAATACCTGATGTGCCCAGGG-3'
Protein context (NP_000450.3, residues 1089-1109): LVSLNRMLEE[Arg1099Gln]KTYVNTTLYE